The following is an entry in ClinVar:

ClinVar aggregate classification (germline): Conflicting classifications of pathogenicity. Review status: criteria provided, conflicting classifications (1 of 4 stars). 4 submissions from 4 submitters: Uncertain significance (2); Likely benign (1). 1 of the submissions does not count toward it. Last evaluated 2024-12-10.

Conditions:
Hereditary cancer-predisposing syndrome. Also called: Hereditary Cancer Syndrome; Hereditary neoplastic syndrome; Neoplastic Syndromes, Hereditary; Tumor predisposition. Identifiers: Orphanet 140162, MedGen C0027672, MeSH D009386, MONDO:0015356.
Bloom syndrome (BLM). Also called: Bloom-Torre-Machacek syndrome. Identifiers: Orphanet 125, MedGen C0005859, MONDO:0008876, OMIM 210900.

Allele frequency attached by ClinVar (database versions not stated): ExAC 0.00001; gnomAD exomes 0.00001; gnomAD 0.00004; ESP Exome Variant Server 0.00008; TOPMed 0.00008.

Submissions (4):

Labcorp Genetics (formerly Invitae), Labcorp
Classification: Uncertain significance for Bloom syndrome. Last evaluated: 2024-12-10. Review status: criteria provided, single submitter. Criteria: Invitae Variant Classification Sherloc (09022015). Collection method: clinical testing. Allele origin: germline.
Comment: This sequence change replaces aspartic acid, which is acidic and polar, with histidine, which is basic and polar, at codon 153 of the BLM protein (p.Asp153His). This variant is present in population databases (rs368158276, gnomAD 0.01%). This variant has not been reported in the literature in individuals affected with BLM-related conditions. ClinVar contains an entry for this variant (Variation ID: 454155). An algorithm developed to predict the effect of missense changes on protein structure and function (PolyPhen-2) suggests that this variant is likely to be disruptive. In summary, the available evidence is currently insufficient to determine the role of this variant in disease. Therefore, it has been classified as a Variant of Uncertain Significance.

GeneDx
Classification: Uncertain significance. Last evaluated: 2024-07-07. Review status: criteria provided, single submitter. Criteria: GeneDx Variant Classification Process June 2021. Collection method: clinical testing. Allele origin: germline. Affected: yes.
Comment: Not observed at significant frequency in large population cohorts (gnomAD); In silico analysis indicates that this missense variant does not alter protein structure/function; Has not been previously published as pathogenic or benign to our knowledge

Ambry Genetics
Classification: Likely benign for Hereditary cancer-predisposing syndrome. Last evaluated: 2024-05-29. Review status: criteria provided, single submitter. Criteria: Ambry Variant Classification Scheme 2023. Collection method: clinical testing. Allele origin: germline.

Natera, Inc.
Classification: Uncertain significance for Bloom syndrome. Last evaluated: 2018-11-12. Review status: no assertion criteria provided. Collection method: clinical testing. Allele origin: germline. Not counted in ClinVar's aggregate classification.

NM_000057.4(BLM):c.457G>C (p.Asp153His)

Gene: BLM (BLM RecQ like helicase; plus strand). Cytogenetic location: 15q26.1.
Variant type: single nucleotide variant.
Coding change: c.457G>C on transcript NM_000057.4 (MANE Select); coding-DNA position 457, G replaced by C.
Protein change: p.Asp153His; replaces aspartic acid 153 with histidine.
Molecular consequence: missense variant. On other transcripts: 5 prime UTR variant (1).
Genome position (GRCh38, 1-based): chr15:90,749,725, G>C. VCF-style: chr15-90749725-G-C. GRCh37 (hg19) VCF-style: chr15-91292955-G-C.
Other names: c.457G>C, p.Asp153His (NM_001287246.2, NM_001287247.2); c.-835G>C (NM_001287248.2); c.457G>C (NM_000057.2); short protein forms D153H.
Identifiers: ClinVar variation 454155 (VCV000454155.17), dbSNP rs368158276, ClinGen allele CA7738295.